The following is an entry in ClinVar:

ClinVar aggregate classification (germline): Likely pathogenic (1 of 4 stars; one submission).

Conditions:
3-methylcrotonyl-CoA carboxylase 1 deficiency (MCC1D). Also called: MCCD TYPE 1; METHYLCROTONYLGLYCINURIA TYPE I; MCC 1 deficiency; 3 Alpha methylcrotonylglycinuria 1. Identifiers: Orphanet 6, MedGen CN028786, MONDO:0008861, OMIM 210200.

Submission:

Labcorp Genetics (formerly Invitae), Labcorp
Classification: Likely pathogenic for 3-methylcrotonyl-CoA carboxylase 1 deficiency. Last evaluated: 2024-09-01. Review status: criteria provided, single submitter. Criteria: Invitae Variant Classification Sherloc (09022015). Collection method: clinical testing. Allele origin: germline.
Comment: This sequence change affects an acceptor splice site in intron 10 of the MCCC1 gene. It is expected to disrupt RNA splicing. Variants that disrupt the donor or acceptor splice site typically lead to a loss of protein function (PMID: 16199547), and loss-of-function variants in MCCC1 are known to be pathogenic (PMID: 11181649, 15359379, 22642865). This variant is not present in population databases (gnomAD no frequency). Disruption of this splice site has been observed in individual(s) with a positive newborn screening result for MCCC1-related disease (internal data). Algorithms developed to predict the effect of sequence changes on RNA splicing suggest that this variant may disrupt the consensus splice site. In summary, the currently available evidence indicates that the variant is pathogenic, but additional data are needed to prove that conclusively. Therefore, this variant has been classified as Likely Pathogenic.

Literature cited by the submitters: PubMed 16199547; PubMed 11181649; PubMed 15359379; PubMed 22642865.

NM_020166.5(MCCC1):c.1084-2A>C

Gene: MCCC1 (methylcrotonyl-CoA carboxylase subunit 1; minus strand). Cytogenetic location: 3q27.1.
Variant type: single nucleotide variant.
Coding change: c.1084-2A>C on transcript NM_020166.5 (MANE Select); the canonical splice acceptor site of the intron before coding-DNA position 1084, A replaced by C.
Molecular consequence: splice acceptor variant.
Genome position (GRCh38, 1-based): chr3:183,041,752, T>G on the plus strand (A>C on the coding strand, the complement: MCCC1 is on the minus strand). VCF-style: chr3-183041752-T-G. GRCh37 (hg19) VCF-style: chr3-182759540-T-G.
Other names: c.757-2A>C (NM_001363880.1); c.733-2A>C (NM_001293273.2).
Identifiers: ClinVar variation 3664211 (VCV003664211.2).